The following is an entry in ClinVar:

NM_199420.4(POLQ):c.4721A>G (p.Asp1574Gly)

Gene: POLQ (DNA polymerase theta; minus strand). Cytogenetic location: 3q13.33.
Variant type: single nucleotide variant.
Coding change: c.4721A>G on transcript NM_199420.4 (MANE Select); coding-DNA position 4721, A replaced by G.
Protein change: p.Asp1574Gly; replaces aspartic acid 1574 with glycine.
Molecular consequence: missense variant.
Genome position (GRCh38, 1-based): chr3:121,488,210, T>C on the plus strand (A>G on the coding strand, the complement: POLQ is on the minus strand). VCF-style: chr3-121488210-T-C. GRCh37 (hg19) VCF-style: chr3-121207057-T-C.
Other names: short protein forms D1574G.
Identifiers: ClinVar variation 3308515 (VCV003308515.1).

ClinVar aggregate classification (germline): Uncertain significance (1 of 4 stars; one submission).

gnomAD v4.1: 1 of 1,613,540 alleles (0.000062%); highest among the groups gnomAD compares: South Asian, 0.0011%; no homozygotes.

Submission:

Ambry Genetics
Classification: Uncertain significance. Last evaluated: 2024-03-23. Review status: criteria provided, single submitter. Criteria: Ambry Variant Classification Scheme 2023. Collection method: clinical testing. Allele origin: germline.
Comment: The p.D1574G variant (also known as c.4721A>G), located in coding exon 16 of the POLQ gene, results from an A to G substitution at nucleotide position 4721. The aspartic acid at codon 1574 is replaced by glycine, an amino acid with similar properties. This amino acid position is conserved. In addition, this alteration is predicted to be tolerated by in silico analysis. Based on the available evidence, the clinical significance of this alteration remains unclear.